The following is an entry in ClinVar:

NM_144670.6(A2ML1):c.3670T>C (p.Trp1224Arg)

Gene: A2ML1 (alpha-2-macroglobulin like 1; plus strand). Cytogenetic location: 12p13.31.
Variant type: single nucleotide variant.
Coding change: c.3670T>C on transcript NM_144670.6 (MANE Select); coding-DNA position 3670, T replaced by C.
Protein change: p.Trp1224Arg; replaces tryptophan 1224 with arginine.
Molecular consequence: missense variant.
Genome position (GRCh38, 1-based): chr12:8,863,961, T>C. VCF-style: chr12-8863961-T-C. GRCh37 (hg19) VCF-style: chr12-9016557-T-C.
Other names: c.2197T>C, p.Trp733Arg (NM_001282424.3); short protein forms W1224R, W733R.
Identifiers: ClinVar variation 1361028 (VCV001361028.6), dbSNP rs765103217, ClinGen allele CA6436439.

ClinVar aggregate classification (germline): Uncertain significance (1 of 4 stars; one submission).

Allele frequency attached by ClinVar (database versions not stated): gnomAD exomes below 0.00001; ExAC 0.00001; TOPMed 0.00001.
gnomAD v4.1: 3 of 1,612,986 alleles (0.00019%); highest among the groups gnomAD compares: Non-Finnish European, 0.00017%; no homozygotes.

Submission:

Labcorp Genetics (formerly Invitae), Labcorp
Classification: Uncertain significance. Last evaluated: 2025-04-19. Review status: criteria provided, single submitter. Criteria: Invitae Variant Classification Sherloc (09022015). Collection method: clinical testing. Allele origin: germline.
Comment: This sequence change replaces tryptophan, which is neutral and slightly polar, with arginine, which is basic and polar, at codon 1224 of the A2ML1 protein (p.Trp1224Arg). The frequency data for this variant in the population databases is considered unreliable, as metrics indicate poor data quality at this position in the gnomAD database. This variant has not been reported in the literature in individuals affected with A2ML1-related conditions. ClinVar contains an entry for this variant (Variation ID: 1361028). An algorithm developed to predict the effect of missense changes on protein structure and function (PolyPhen-2) suggests that this variant is likely to be disruptive. In summary, the available evidence is currently insufficient to determine the role of this variant in disease. Therefore, it has been classified as a Variant of Uncertain Significance.